The following is an entry in ClinVar:

NM_000257.4(MYH7):c.4402G>T (p.Glu1468Ter)

Genes: MYH7 (myosin heavy chain 7; minus strand), MHRT (myosin heavy chain associated RNA transcript; plus strand). Cytogenetic location: 14q11.2.
Variant type: single nucleotide variant.
Coding change: c.4402G>T on transcript NM_000257.4 (MANE Select); coding-DNA position 4402, G replaced by T.
Protein change: p.Glu1468Ter; replaces glutamic acid 1468 with a stop codon.
Molecular consequence: nonsense. On other transcripts: non-coding transcript variant (1).
Genome position (GRCh38, 1-based): chr14:23,417,270, C>A on the plus strand (G>T on the coding strand, the complement: MYH7 is on the minus strand). VCF-style: chr14-23417270-C-A. GRCh37 (hg19) VCF-style: chr14-23886479-C-A.
Other names: c.4402G>T, p.Glu1468Ter (NM_001407004.1); short protein forms E1468*.
Identifiers: ClinVar variation 3070348 (VCV003070348.2), dbSNP rs876657884, ClinGen allele CA389038669.
Genomic context (GRCh38, chr14:23,417,270, plus strand): 5'-AGGCGTTCTTGAGTTTGAAGAGCTCTGTGCTGAGGGAGCGAGCCTCCTTCTGCGAGGACT[C>A]CAGCTCCGACTGCGACTCCTCATACTTCTGCTTCCACTCGGCCAGGATCTGCCCGGGGAC-3'

ClinVar aggregate classification (germline): Conflicting classifications of pathogenicity. Review status: criteria provided, conflicting classifications (1 of 4 stars). 2 submissions from 2 submitters: Likely pathogenic (1); Uncertain significance (1). Last evaluated 2023-04-10.

Conditions:
Cardiomyopathy (CMYO). Also called: Cardiomyopathies. Identifiers: Orphanet 167848, MedGen C0878544, MONDO:0004994, HP:0001638. Inheritance: Various modes of inheritance.
Myosin storage myopathy (CMYO7A). Also called: MYH7-related late-onset scapuloperoneal muscular dystrophy; Congenital myopathy 7A, myosin storage, autosomal dominant; MYOPATHY WITH LYSIS OF TYPE I MYOFIBRILS; SCAPULOPERONEAL MUSCULAR DYSTROPHY; SCAPULOPERONEAL SYNDROME, MYOPATHIC TYPE; Scapuloperoneal myopathy, MYH7-related. Identifiers: Orphanet 437572, Orphanet 636965, MedGen C1842160, MONDO:0008409, OMIM 608358.

Submissions (2):

All of Us Research Program, National Institutes of Health
Classification: Uncertain significance for Cardiomyopathy. Last evaluated: 2023-04-10. Review status: criteria provided, single submitter. Criteria: ACMG Guidelines, 2015. Collection method: clinical testing. Allele origin: germline. Inheritance: Autosomal dominant inheritance. Observed: 1 variant allele, 1 heterozygote.
Comment: This variant changes 1 nucleotide in exon 32 of the MYH7 gene, creating a premature translation stop signal. This variant is expected to result in an absent or non-functional protein product. To our knowledge, this variant has not been reported in individuals affected with MYH7-related disorders in the literature. This variant has not been identified in the general population by the Genome Aggregation Database (gnomAD). Clinical relevance of loss-of-function MYH7 truncation variants in autosomal dominant cardiovascular disorders is not clearly established. The available evidence is insufficient to determine the role of this variant in disease conclusively. Therefore, this variant is classified as a Variant of Uncertain Significance.

This study involves interpretation of variants in research participants for the purpose of population health screening. Participant phenotype was not available at the time of variant classification. Additional details can be found in publication PMID: 35346344, PMCID: PMC8962531

Neuberg Centre For Genomic Medicine, NCGM
Classification: Likely pathogenic for Myosin storage myopathy. Review status: criteria provided, single submitter. Criteria: ACMG Guidelines, 2015. Collection method: clinical testing. Allele origin: germline. Affected: yes.